The following is an entry in ClinVar:

ClinVar aggregate classification (germline): Uncertain significance (1 of 4 stars; one submission).

Conditions:
Primary dilated cardiomyopathy (DCM). Also called: Dilated Cardiomyopathy. Identifiers: Orphanet 217604, MedGen C0007193, MeSH D002311, MONDO:0005021, HP:0001644. Inheritance: Various modes of inheritance.

Submission:

Labcorp Genetics (formerly Invitae), Labcorp
Classification: Uncertain significance for Primary dilated cardiomyopathy. Last evaluated: 2022-03-19. Review status: criteria provided, single submitter. Criteria: Invitae Variant Classification Sherloc (09022015). Collection method: clinical testing. Allele origin: germline.
Comment: In summary, the available evidence is currently insufficient to determine the role of this variant in disease. Therefore, it has been classified as a Variant of Uncertain Significance. Experimental studies and prediction algorithms are not available or were not evaluated, and the functional significance of this variant is currently unknown. This variant has not been reported in the literature in individuals affected with TXNRD2-related conditions. This variant results in a copy number gain of the genomic region encompassing exon(s) 1 of the TXNRD2 gene. This region includes the initiator codon of the gene. This copy number gain extends beyond the assayed region for this gene and therefore may encompass additional genes. As the precise location of this event is unknown, it may be in tandem or it may be located elsewhere in the genome.

NC_000022.10:g.(?_19929214)_(19929336_?)dup

Genes: COMT (catechol-O-methyltransferase; plus strand), TXNRD2 (thioredoxin reductase 2; minus strand). Cytogenetic location: 22q11.21.
Variant type: Duplication.
Identifiers: ClinVar variation 1449488 (VCV001449488.7).